The following is an entry in ClinVar:

ClinVar aggregate classification (germline): Uncertain significance (1 of 4 stars; one submission).

Conditions:
Charcot-Marie-Tooth disease axonal type 2C (HMSN2C). Also called: CHARCOT-MARIE-TOOTH DISEASE, AXONAL, AUTOSOMAL DOMINANT, TYPE 2C; Charcot-Marie-Tooth Neuropathy Type 2C; Charcot-Marie-Tooth Disease Type 2, TRPV4-Related (CMT2C). Identifiers: Orphanet 99937, MedGen C1853710, MONDO:0011633, OMIM 606071.

gnomAD v4.1: 7 of 1,614,034 alleles (0.00043%); highest among the groups gnomAD compares: Non-Finnish European, 0.00059%; no homozygotes.

Submission:

Labcorp Genetics (formerly Invitae), Labcorp
Classification: Uncertain significance for Charcot-Marie-Tooth disease axonal type 2C. Last evaluated: 2024-07-02. Review status: criteria provided, single submitter. Criteria: Invitae Variant Classification Sherloc (09022015). Collection method: clinical testing. Allele origin: germline.
Comment: This sequence change replaces lysine, which is basic and polar, with methionine, which is neutral and non-polar, at codon 462 of the TRPV4 protein (p.Lys462Met). This variant is not present in population databases (gnomAD no frequency). This variant has not been reported in the literature in individuals affected with TRPV4-related conditions. Advanced modeling of protein sequence and biophysical properties (such as structural, functional, and spatial information, amino acid conservation, physicochemical variation, residue mobility, and thermodynamic stability) has been performed at Invitae for this missense variant, however the output from this modeling did not meet the statistical confidence thresholds required to predict the impact of this variant on TRPV4 protein function. In summary, the available evidence is currently insufficient to determine the role of this variant in disease. Therefore, it has been classified as a Variant of Uncertain Significance.

NM_021625.5(TRPV4):c.1385A>T (p.Lys462Met)

Gene: TRPV4 (transient receptor potential cation channel subfamily V member 4; minus strand). Cytogenetic location: 12q24.11.
Variant type: single nucleotide variant.
Coding change: c.1385A>T on transcript NM_021625.5 (MANE Select); coding-DNA position 1385, A replaced by T.
Protein change: p.Lys462Met; replaces lysine 462 with methionine.
Molecular consequence: missense variant.
Genome position (GRCh38, 1-based): chr12:109,794,435, T>A on the plus strand (A>T on the coding strand, the complement: TRPV4 is on the minus strand). VCF-style: chr12-109794435-T-A. GRCh37 (hg19) VCF-style: chr12-110232240-T-A.
Other names: c.1064A>T, p.Lys355Met (NM_001177433.2); c.1205A>T, p.Lys402Met (NM_147204.3); c.1244A>T, p.Lys415Met (NM_001177428.2); c.1283A>T, p.Lys428Met (NM_001177431.2); short protein forms K415M, K428M, K462M, K355M, K402M.
Identifiers: ClinVar variation 3637647 (VCV003637647.2).